The following is an entry in ClinVar:

ClinVar aggregate classification (germline): Uncertain significance (1 of 4 stars; one submission).

Conditions:
Primary ciliary dyskinesia. Also called: Ciliary dyskinesia. Identifiers: Orphanet 244, MedGen C0008780, MONDO:0016575, HP:0012265.

gnomAD v4.1: 4,694 of 1,535,880 alleles (0.31%); highest among the groups gnomAD compares: Non-Finnish European, 0.37%; 8 homozygotes.

Submission:

Department of Human Genetics, Hannover Medical School
Classification: Uncertain significance for Primary Ciliary Dyskinesia. Last evaluated: 2026-04-01. Review status: criteria provided, single submitter. Criteria: ACMG Guidelines, 2015. Collection method: research. Allele origin: germline. Affected: no.
Comment: Classification performed by HerediClassify using the following criteria:['PM2_supporting: Variant occures does not occur as homozygous in gnomAD.', 'PVS1_protein_strong: Transcript ENST00000561639 is not predicted to undergo NMD. Protein length change of 0.9367977528089888 observed.']

NM_001288990.3(TSNAXIP1):c.136C>T (p.Arg46Ter)

Gene: TSNAXIP1 (translin associated factor X interacting protein 1; plus strand). Cytogenetic location: 16q22.1.
Variant type: single nucleotide variant.
Coding change: c.136C>T on transcript NM_001288990.3 (MANE Select); coding-DNA position 136, C replaced by T.
Protein change: p.Arg46Ter; replaces arginine 46 with a stop codon.
Molecular consequence: nonsense. On other transcripts: 5 prime UTR variant (4), missense variant (1).
Genome position (GRCh38, 1-based): chr16:67,814,390, C>T. VCF-style: chr16-67814390-C-T. GRCh37 (hg19) VCF-style: chr16-67848293-C-T.
Other names: c.136C>T, p.Arg46Ter (NM_001288991.3); c.-649C>T (NM_001288992.3); c.-776C>T (NM_001288993.3); c.-452C>T (NM_001288994.3); c.206C>T, p.Thr69Met (NM_001351158.2); c.-27C>T (NM_018430.4); short protein forms R46*, T69M.
Identifiers: ClinVar variation 4880080 (VCV004880080.1).
Genomic context (GRCh38, chr16:67,814,390, plus strand): 5'-ATAGACGAATCCTTTCTCACAGAAGACAAGAGCACCCAGAATCGCAAGCTTCTTCAGAAA[C>T]GAAGGACGCTGGTTAGTGACAATGTTGTTTTGGAACCCCAAATGTCAGCCCCCAGACCCT-3'